The following is an entry in ClinVar:

ClinVar aggregate classification (germline): Likely benign. Review status: criteria provided, multiple submitters, no conflicts (2 of 4 stars). 2 submissions from 2 submitters: Likely benign (2). Last evaluated 2025-03-16.

Conditions:
Charcot-Marie-Tooth disease, type I (CMT1). Also called: Charcot-Marie-Tooth, Type 1; Charcot-Marie-Tooth disease type 1. Identifiers: Orphanet 65753, MedGen C0751036, MONDO:0019011.

Allele frequency attached by ClinVar (database versions not stated): gnomAD exomes below 0.00001; TOPMed below 0.00001; gnomAD 0.00001.
gnomAD v4.1: 13 of 1,613,920 alleles (0.00081%); highest among the groups gnomAD compares: Non-Finnish European, 0.0011%; no homozygotes.

Submissions (2):

Labcorp Genetics (formerly Invitae), Labcorp
Classification: Likely benign for Charcot-Marie-Tooth disease, type I. Last evaluated: 2025-03-16. Review status: criteria provided, single submitter. Criteria: Invitae Variant Classification Sherloc (09022015). Collection method: clinical testing. Allele origin: germline.

CeGaT Center for Human Genetics Tuebingen
Classification: Likely benign. Last evaluated: 2022-05-01. Review status: criteria provided, single submitter. Criteria: CeGaT Center For Human Genetics Tuebingen Variant Classification Criteria Version 2. Collection method: clinical testing. Allele origin: germline. Affected: yes. Observed: 1 variant allele.
Comment: MPZ: BP4, BP7

NM_000530.8(MPZ):c.663A>G (p.Ala221=)

Gene: MPZ (myelin protein zero; minus strand). Cytogenetic location: 1q23.3.
Variant type: single nucleotide variant.
Coding change: c.663A>G on transcript NM_000530.8 (MANE Select); coding-DNA position 663, A replaced by G.
Protein change: p.Ala221=; no amino-acid change (alanine 221 retained).
Molecular consequence: synonymous variant.
Genome position (GRCh38, 1-based): chr1:161,305,960, T>C on the plus strand (A>G on the coding strand, the complement: MPZ is on the minus strand). VCF-style: chr1-161305960-T-C. GRCh37 (hg19) VCF-style: chr1-161275750-T-C.
Other names: c.663A>G, p.Ala221= (NM_001315491.2).
Identifiers: ClinVar variation 1616708 (VCV001616708.39), dbSNP rs1404344759, ClinGen allele CA421404098.